The following is an entry in ClinVar:

ClinVar aggregate classification (germline): Uncertain significance (1 of 4 stars; one submission).

Submission:

GeneDx
Classification: Uncertain significance. Last evaluated: 2025-10-07. Review status: criteria provided, single submitter. Criteria: GeneDx Variant Classification Process June 2021. Collection method: clinical testing. Allele origin: germline.
Comment: Not observed at significant frequency in large population cohorts (gnomAD); In silico analysis suggests this variant may impact gene splicing. In the absence of RNA/functional studies, the actual effect of this sequence change is unknown.; In silico analysis supports that this missense variant has a deleterious effect on protein structure/function; Has not been previously published as pathogenic or benign to our knowledge

NM_001080453.3(INTS1):c.4994C>G (p.Thr1665Arg)

Gene: INTS1 (integrator complex subunit 1; minus strand). Cytogenetic location: 7p22.3.
Variant type: single nucleotide variant.
Coding change: c.4994C>G on transcript NM_001080453.3 (MANE Select); coding-DNA position 4994, C replaced by G.
Protein change: p.Thr1665Arg; replaces threonine 1665 with arginine.
Molecular consequence: missense variant.
Genome position (GRCh38, 1-based): chr7:1,476,863, G>C on the plus strand (C>G on the coding strand, the complement: INTS1 is on the minus strand). VCF-style: chr7-1476863-G-C. GRCh37 (hg19) VCF-style: chr7-1516499-G-C.
Other names: c.1511C>G, p.Thr504Arg (NM_015674.1); short protein forms T1665R, T504R.
Identifiers: ClinVar variation 1800490 (VCV001800490.2), dbSNP rs1446332643, ClinGen allele CA366583850.
Genomic context (GRCh38, chr7:1,476,863, plus strand): 5'-CGGCTCTTGCCCAGCAGGACTCGGATGCACTGGTGCAGTGTGGGCCAGCTGGACTGATGC[G>C]TGAAGAGGGTCAGGAGGTAGGGACGGAACGAGGGCACCTGGGCCTGACCTTTGCCCTGGG-3'
Protein context (NP_001073922.2, residues 1655-1675): SFRPYLLTLF[Thr1665Arg]HQSSWPTLHQ